The following is an entry in ClinVar:

NC_012920.1(MT-ND1):m.3710C>T

Gene: MT-ND1 (mitochondrially encoded NADH dehydrogenase 1; plus strand).
Variant type: single nucleotide variant.
Genome position: chrM-3710-C-T.
Identifiers: ClinVar variation 692389 (VCV000692389.1), dbSNP rs1603219093, ClinGen allele CA414773353.

ClinVar aggregate classification (germline): Uncertain significance (1 of 4 stars; one submission).

Conditions:
Leigh syndrome (NULS). Also called: Leigh's necrotizing encephalopathy; Leigh's disease; Leigh Syndrome (mtDNA deletion); Leigh Disease; Subacute necrotizing encephalopathy; Necrotizing encephalopathy infantile subacute of Leigh. Identifiers: Orphanet 506, MedGen C2931891, MONDO:0009723, OMIM 256000.

Submission:

Wong Mito Lab, Molecular and Human Genetics, Baylor College of Medicine
Classification: Uncertain significance for Leigh syndrome. Last evaluated: 2019-10-17. Review status: criteria provided, single submitter. Criteria: Modified ACMG Guidelines (Unpublished). Collection method: clinical testing. Allele origin: germline.
Comment: The NC_012920.1:m.3710C>T (YP_003024026.1:p.Ala135Val) variant in MTND1 gene is interpretated to be a Uncertain Significance variant based on the modified ACMG guidelines (unpublished). This variant meets the following evidence codes: BS4